The following is an entry in ClinVar:

NM_001609.4(ACADSB):c.*1868C>G

Gene: ACADSB (acyl-CoA dehydrogenase short/branched chain; plus strand). Cytogenetic location: 10q26.13.
Variant type: single nucleotide variant.
Coding change: c.*1868C>G on transcript NM_001609.4 (MANE Select); 1868 bases downstream of the stop codon, C replaced by G.
Molecular consequence: 3 prime UTR variant.
Genome position (GRCh38, 1-based): chr10:123,055,633, C>G. VCF-style: chr10-123055633-C-G. GRCh37 (hg19) VCF-style: chr10-124815149-C-G.
Other names: c.*1868C>G (NM_001330174.3).
Identifiers: ClinVar variation 299119 (VCV000299119.6), dbSNP rs10902868, ClinGen allele CA10628163.

ClinVar aggregate classification (germline): Benign. Review status: criteria provided, multiple submitters, no conflicts (2 of 4 stars). 2 submissions from 2 submitters: Benign (2). Last evaluated 2018-01-12.

Conditions:
Deficiency of 2-methylbutyryl-CoA dehydrogenase (ACADSB). Also called: 2-methylbutyryl-CoA dehydrogenase deficiency; SBCAD deficiency; 2-methylbutyric aciduria; Short branched-chain acyl-CoA dehydrogenase deficiency; 2-methylbutyrylglycinuria. Identifiers: Orphanet 79157, MedGen C1864912, MONDO:0012392, OMIM 610006, HP:0020147.

Allele frequency attached by ClinVar (database versions not stated): TOPMed 0.87919; gnomAD 0.88218 and 0.88496; 1000 Genomes Project 30x 0.89444; 1000 Genomes Project 0.89537; gnomAD exomes 0.90909.
gnomAD v4.1: 134,363 of 151,996 alleles (88%); highest among the groups gnomAD compares: Middle Eastern, 95%; 59,434 homozygotes.

Submissions (2):

Illumina Laboratory Services, Illumina
Classification: Benign for Deficiency of 2-methylbutyryl-CoA dehydrogenase. Last evaluated: 2018-01-12. Review status: criteria provided, single submitter. Criteria: ICSL Variant Classification Criteria 13 December 2019. Collection method: clinical testing. Allele origin: germline.
Comment: This variant was observed in the ICSL laboratory as part of a predisposition screen in an ostensibly healthy population. It had not been previously curated by ICSL or reported in the Human Gene Mutation Database (HGMD: prior to June 1st, 2018), and was therefore a candidate for classification through an automated scoring system. Utilizing variant allele frequency, disease prevalence and penetrance estimates, and inheritance mode, an automated score was calculated to assess if this variant is too frequent to cause the disease. Based on the score and internal cut-off values, a variant classified as benign is not then subjected to further curation. The score for this variant resulted in a classification of benign for this disease.

Breakthrough Genomics
Classification: Benign. Review status: criteria provided, single submitter. Criteria: ACMG Guidelines, 2015. Collection method: not provided. Allele origin: germline. Inheritance: Autosomal recessive inheritance. Affected: yes.